The following is an entry in ClinVar:

NM_001365536.1(SCN9A):c.488A>G (p.Tyr163Cys)

Gene: SCN9A (sodium voltage-gated channel alpha subunit 9; minus strand). Cytogenetic location: 2q24.3.
Variant type: single nucleotide variant.
Coding change: c.488A>G on transcript NM_001365536.1 (MANE Select); coding-DNA position 488, A replaced by G.
Protein change: p.Tyr163Cys; replaces tyrosine 163 with cysteine.
Molecular consequence: missense variant.
Genome position (GRCh38, 1-based): chr2:166,305,900, T>C on the plus strand (A>G on the coding strand, the complement: SCN9A is on the minus strand). VCF-style: chr2-166305900-T-C. GRCh37 (hg19) VCF-style: chr2-167162410-T-C.
Other names: c.488A>G, p.Tyr163Cys (NM_002977.4); short protein forms Y163C.
Identifiers: ClinVar variation 234919 (VCV000234919.2), dbSNP rs876661294, ClinGen allele CA10577241.

ClinVar aggregate classification (germline): Uncertain significance (1 of 4 stars; one submission).

Submission:

GeneDx
Classification: Uncertain significance. Last evaluated: 2016-04-01. Review status: criteria provided, single submitter. Criteria: GeneDx Variant Classification (06012015). Collection method: clinical testing. Allele origin: germline. Affected: yes.
Comment: The Y163C variant has not been published as a pathogenic variant, nor has it been reported as a benign variant to our knowledge. It was not observed in approximately 6,000 individuals of European and African American ancestry in the NHLBI Exome Sequencing Project, indicating it is not a common benign variant in these populations. The Y163C variant is a non-conservative amino acid substitution, which is likely to impact secondary protein structure as these residues differ in polarity, charge, size and/or other properties. This substitution occurs at a position that is conserved across species, and in silico analysis predicts this variant is probably damaging to the protein structure/function. However, missense variants in nearby residues have not been reported in Human Gene Mutation Database in association with SCN9A-related disorders (Stenson et al., 2014). Therefore, based on the currently available information, it is unclear whether this variant is a pathogenic variant or a rare benign variant.